The following is an entry in ClinVar:

NM_006648.4(WNK2):c.2129T>A (p.Leu710Gln)

Gene: WNK2 (WNK lysine deficient protein kinase 2; plus strand). Cytogenetic location: 9q22.31.
Variant type: single nucleotide variant.
Coding change: c.2129T>A on transcript NM_006648.4 (MANE Select); coding-DNA position 2129, T replaced by A.
Protein change: p.Leu710Gln; replaces leucine 710 with glutamine.
Molecular consequence: missense variant.
Genome position (GRCh38, 1-based): chr9:93,256,393, T>A. VCF-style: chr9-93256393-T-A. GRCh37 (hg19) VCF-style: chr9-96018675-T-A.
Other names: c.2129T>A, p.Leu710Gln (NM_001282394.3); short protein forms L710Q.
Identifiers: ClinVar variation 3817173 (VCV003817173.1).

ClinVar aggregate classification (germline): Uncertain significance (1 of 4 stars; one submission).

Submission:

Ambry Genetics
Classification: Uncertain significance. Last evaluated: 2025-02-27. Review status: criteria provided, single submitter. Criteria: Ambry Variant Classification Scheme 2023. Collection method: clinical testing. Allele origin: germline.
Comment: The p.L710Q variant (also known as c.2129T>A), located in coding exon 9 of the WNK2 gene, results from a T to A substitution at nucleotide position 2129. The leucine at codon 710 is replaced by glutamine, an amino acid with dissimilar properties. This amino acid position is conserved. In addition, this alteration is predicted to be tolerated by in silico analysis. Based on the available evidence, the clinical significance of this variant remains unclear.